The following is an entry in ClinVar:

NM_020320.5(RARS2):c.45_46del (p.Arg15fs)

Gene: RARS2 (arginyl-tRNA synthetase 2, mitochondrial; minus strand). Cytogenetic location: 6q15.
Variant type: Microsatellite.
Coding change: c.45_46del on transcript NM_020320.5 (MANE Select); coding-DNA positions 45 to 46, 2 bases deleted (AG; older notation c.45_46delAG).
Protein change: p.Arg15fs; shifts the reading frame from arginine 15.
Molecular consequence: frameshift variant. On other transcripts: 5 prime UTR variant (6), non-coding transcript variant (21), intron variant (1).
Genome position (GRCh38, 1-based): chr6:87,569,581-87,569,582, CT deleted on the plus strand (AG on the coding strand, the reverse complement: RARS2 is on the minus strand); deleting any 2 consecutive bases within chr6:87,569,581-87,569,584 gives the same sequence; the c. name uses the placement nearest the transcript's 3' end. VCF-style (leftmost placement, unchanged base first): chr6-87569580-ACT-A. GRCh37 (hg19) VCF-style: chr6-88279298-ACT-A.
Other names: c.-427AG[1] (NM_001318785.2); c.45_46del, p.Arg15fs (NM_001350505.2); c.-483AG[1] (NM_001350506.2, NM_001350507.2, NM_001350510.2); c.-645AG[1] (NM_001350508.2); c.-602AG[1] (NM_001350511.2); c.-359-5350_-359-5349del (NM_001350509.2); c.45_46del (NM_020320.4); short protein forms R15fs.
Identifiers: ClinVar variation 2678247 (VCV002678247.2), dbSNP rs2485061850, ClinGen allele CA2679625033.
Genomic context (GRCh38, chr6:87,569,580, plus strand): 5'-TTTTGGGAAATTGGAACTGCAGATATTGATGTGATCAAGTTTTCTGGTGGAAGATTCAAC[ACT>A]CTGGAAAGCTAAAAATCAAAAAGAACAAAACAGTGTAAGATTGTTCACATATTTGTTCCA-3'

ClinVar aggregate classification (germline): Likely pathogenic. Review status: criteria provided, multiple submitters, no conflicts (2 of 4 stars). 2 submissions from 2 submitters: Likely pathogenic (2). Last evaluated 2026-01-07.

Conditions:
Pontocerebellar hypoplasia type 6 (PCH6). Identifiers: Orphanet 166073, MedGen C1969084, MONDO:0012683, OMIM 611523.

Submissions (2):

Natera, Inc.
Classification: Likely pathogenic for Pontocerebellar hypoplasia, type 6. Last evaluated: 2026-01-07. Review status: criteria provided, single submitter. Criteria: Natera Variant Classification Schema (03/2026). Collection method: clinical testing. Allele origin: germline.
Comment: The c.45_46del variant in RARS2 is a frameshift variant predicted to shift the reading frame beginning at codon 15 and leads to a stop codon 26 codons downstream. This variant is expected to result in nonsense mediated decay, truncation, or a dysfunctional protein product. This variant is rare in the general population with a frequency below the threshold expected for the associated phenotype(s). Given the available evidence, this variant is classified as Likely Pathogenic.

Baylor Genetics
Classification: Likely pathogenic for Pontocerebellar hypoplasia type 6. Last evaluated: 2023-08-28. Review status: criteria provided, single submitter. Criteria: ACMG Guidelines, 2015. Collection method: clinical testing. Allele origin: unknown.